The following is an entry in ClinVar:

ClinVar aggregate classification (germline): Uncertain significance (1 of 4 stars; one submission).

Allele frequency attached by ClinVar (database versions not stated): TOPMed below 0.00001; ExAC 0.00001; gnomAD 0.00001; gnomAD exomes 0.00001.
gnomAD v4.1: 15 of 1,613,340 alleles (0.00093%); highest among the groups gnomAD compares: Non-Finnish European, 0.0013%; no homozygotes.

Submission:

GeneDx
Classification: Uncertain significance. Last evaluated: 2022-04-13. Review status: criteria provided, single submitter. Criteria: GeneDx Variant Classification Process June 2021. Collection method: clinical testing. Allele origin: germline. Affected: yes.
Comment: Not observed at significant frequency in large population cohorts (gnomAD); Missense variant in a gene in which most reported pathogenic variants are truncating/loss of function; Has not been previously published as pathogenic or benign to our knowledge

NM_001267550.2(TTN):c.77634G>T (p.Gln25878His)

Genes: TTN (titin; minus strand), TTN-AS1 (TTN antisense RNA 1; plus strand). Cytogenetic location: 2q31.2.
Variant type: single nucleotide variant.
Coding change: c.77634G>T on transcript NM_001267550.2 (MANE Select); coding-DNA position 77634, G replaced by T.
Protein change: p.Gln25878His; replaces glutamine 25878 with histidine.
Molecular consequence: missense variant.
Genome position (GRCh38, 1-based): chr2:178,568,498, C>A on the plus strand (G>T on the coding strand, the complement: TTN is on the minus strand). VCF-style: chr2-178568498-C-A. GRCh37 (hg19) VCF-style: chr2-179433225-C-A.
Other names: c.72711G>T, p.Gln24237His (NM_001256850.1); c.50439G>T, p.Gln16813His (NM_003319.4); c.69930G>T, p.Gln23310His (NM_133378.4); c.50814G>T, p.Gln16938His (NM_133432.3); c.51015G>T, p.Gln17005His (NM_133437.4); short protein forms Q16813H, Q16938H, Q17005H, Q23310H, Q24237H, Q25878H.
Identifiers: ClinVar variation 1710554 (VCV001710554.2), dbSNP rs765550681, ClinGen allele CA1989739.